The following is an entry in ClinVar:

NM_001243133.2(NLRP3):c.1313C>G (p.Thr438Ser)

Gene: NLRP3 (NLR family pyrin domain containing 3; plus strand). Cytogenetic location: 1q44.
Variant type: single nucleotide variant.
Coding change: c.1313C>G on transcript NM_001243133.2 (MANE Select); coding-DNA position 1313, C replaced by G.
Protein change: p.Thr438Ser; replaces threonine 438 with serine.
Molecular consequence: missense variant.
Genome position (GRCh38, 1-based): chr1:247,424,762, C>G. VCF-style: chr1-247424762-C-G. GRCh37 (hg19) VCF-style: chr1-247588064-C-G.
Other names: c.1313C>G, p.Thr438Ser (NM_001079821.3, NM_001127461.3, NM_001127462.3 and 1 more transcripts); c.1319C>G, p.Thr440Ser (NM_004895.5); short protein forms T438S, T440S.
Identifiers: ClinVar variation 3583203 (VCV003583203.2).

ClinVar aggregate classification (germline): Uncertain significance. Review status: criteria provided, multiple submitters, no conflicts (2 of 4 stars). 2 submissions from 2 submitters: Uncertain significance (2). Last evaluated 2025-09-14.

Conditions:
Familial amyloid nephropathy with urticaria AND deafness (MWS). Also called: UDA SYNDROME; URTICARIA-DEAFNESS-AMYLOIDOSIS SYNDROME; MUCKLE-WELLS SYNDROME; Urticaria, deafness and amyloidosis; CRYOPYRIN-ASSOCIATED PERIODIC SYNDROME 2. Identifiers: Orphanet 575, MedGen C0268390, MONDO:0008633, OMIM 191900.
Chronic infantile neurological, cutaneous and articular syndrome (CINCA). Also called: CHRONIC NEUROLOGIC CUTANEOUS AND ARTICULAR SYNDROME; CINCA syndrome; Prieur Griscelli syndrome; CRYOPYRIN-ASSOCIATED PERIODIC SYNDROME 3. Identifiers: Orphanet 1451, MedGen C0409818, MONDO:0011776, OMIM 607115.
Hearing loss, autosomal dominant 34, with or without inflammation. Also called: DEAFNESS, AUTOSOMAL DOMINANT 34, WITH OR WITHOUT INFLAMMATION. Identifiers: MedGen C4521680, MONDO:0033261, OMIM 617772.
Familial cold autoinflammatory syndrome 1 (FCAS1). Also called: CRYOPYRIN-ASSOCIATED PERIODIC SYNDROME 1; Familial cold inflammatory syndrome 1. Identifiers: Orphanet 47045, MedGen C4551895, MONDO:0007349, OMIM 120100.
Keratitis fugax hereditaria. Also called: KERATOENDOTHELIITIS FUGAX HEREDITARIA. Identifiers: Orphanet 647815, MedGen C1835697, MONDO:0007849, OMIM 148200.
Cryopyrin associated periodic syndrome (CAPS). Identifiers: Orphanet 208650, MedGen C2316212, MONDO:0016168.

Submissions (2):

Labcorp Genetics (formerly Invitae), Labcorp
Classification: Uncertain significance for Cryopyrin associated periodic syndrome. Last evaluated: 2025-09-14. Review status: criteria provided, single submitter. Criteria: Invitae Variant Classification Sherloc (09022015). Collection method: clinical testing. Allele origin: germline.
Comment: This sequence change replaces threonine, which is neutral and polar, with serine, which is neutral and polar, at codon 440 of the NLRP3 protein (p.Thr440Ser). This variant is not present in population databases (gnomAD no frequency). This variant has not been reported in the literature in individuals affected with NLRP3-related conditions. ClinVar contains an entry for this variant (Variation ID: 3583203). Invitae Evidence Modeling of protein sequence and biophysical properties (such as structural, functional, and spatial information, amino acid conservation, physicochemical variation, residue mobility, and thermodynamic stability) indicates that this missense variant is expected to disrupt NLRP3 protein function with a positive predictive value of 95%. In summary, the available evidence is currently insufficient to determine the role of this variant in disease. Therefore, it has been classified as a Variant of Uncertain Significance.

Fulgent Genetics
Classification: Uncertain significance for Familial cold autoinflammatory syndrome 1; Keratitis fugax hereditaria; Familial amyloid nephropathy with urticaria AND deafness; Chronic infantile neurological, cutaneous and articular syndrome; Hearing loss, autosomal dominant 34, with or without inflammation. Last evaluated: 2024-05-07. Review status: criteria provided, single submitter. Criteria: ACMG Guidelines, 2015. Collection method: clinical testing. Allele origin: germline.